The following is an entry in ClinVar:

NM_017780.4(CHD7):c.1120A>G (p.Asn374Asp)

Gene: CHD7 (chromodomain helicase DNA binding protein 7; plus strand). Cytogenetic location: 8q12.2.
Variant type: single nucleotide variant.
Coding change: c.1120A>G on transcript NM_017780.4 (MANE Select); coding-DNA position 1120, A replaced by G.
Protein change: p.Asn374Asp; replaces asparagine 374 with aspartic acid.
Molecular consequence: missense variant.
Genome position (GRCh38, 1-based): chr8:60,742,552, A>G. VCF-style: chr8-60742552-A-G. GRCh37 (hg19) VCF-style: chr8-61655111-A-G.
Other names: c.1120A>G, p.Asn374Asp (NM_001316690.1); short protein forms N374D.
Identifiers: ClinVar variation 2752155 (VCV002752155.3), dbSNP rs781148135, ClinGen allele CA177313266.

ClinVar aggregate classification (germline): Uncertain significance (1 of 4 stars; one submission).

Conditions:
CHARGE syndrome (CHARGE). Also called: Hittner Hirsch Kreh syndrome; CHARGE ASSOCIATION--COLOBOMA, HEART ANOMALY, CHOANAL ATRESIA, RETARDATION, GENITAL AND EAR ANOMALIES; Coloboma, heart anomaly, choanal atresia, retardation, genital and ear anomalies; CHARGE association; Hall-Hittner syndrome. Identifiers: Orphanet 138, MedGen C0265354, MONDO:0008965.

Allele frequency attached by ClinVar (database versions not stated): gnomAD exomes 0.00001.
gnomAD v4.1: 7 of 1,613,990 alleles (0.00043%); highest among the groups gnomAD compares: Non-Finnish European, 0.00059%; no homozygotes.

Submission:

Labcorp Genetics (formerly Invitae), Labcorp
Classification: Uncertain significance for CHARGE syndrome. Last evaluated: 2023-08-11. Review status: criteria provided, single submitter. Criteria: Invitae Variant Classification Sherloc (09022015). Collection method: clinical testing. Allele origin: germline.
Comment: Advanced modeling of protein sequence and biophysical properties (such as structural, functional, and spatial information, amino acid conservation, physicochemical variation, residue mobility, and thermodynamic stability) performed at Invitae indicates that this missense variant is not expected to disrupt CHD7 protein function. This variant has not been reported in the literature in individuals affected with CHD7-related conditions. This variant is not present in population databases (gnomAD no frequency). This sequence change replaces asparagine, which is neutral and polar, with aspartic acid, which is acidic and polar, at codon 374 of the CHD7 protein (p.Asn374Asp). In summary, the available evidence is currently insufficient to determine the role of this variant in disease. Therefore, it has been classified as a Variant of Uncertain Significance.